The following is an entry in ClinVar:

NM_001375905.1(SGMS2):c.185T>C (p.Ile62Thr)

Genes: CYP2U1-AS1 (CYP2U1 and SGMS2 antisense RNA 1; minus strand), SGMS2 (sphingomyelin synthase 2; plus strand). Cytogenetic location: 4q25.
Variant type: single nucleotide variant.
Coding change: c.185T>C on transcript NM_001375905.1 (MANE Select); coding-DNA position 185, T replaced by C.
Protein change: p.Ile62Thr; replaces isoleucine 62 with threonine.
Molecular consequence: missense variant. On other transcripts: intron variant (1).
Genome position (GRCh38, 1-based): chr4:107,895,738, T>C. VCF-style: chr4-107895738-T-C. GRCh37 (hg19) VCF-style: chr4-108816894-T-C.
Other names: c.185T>C, p.Ile62Thr (NM_001136257.2, NM_001136258.2, NM_001375906.1 and 4 more transcripts); c.-64-3837T>C (NM_001375911.1); short protein forms I62T.
Identifiers: ClinVar variation 3688568 (VCV003688568.2).

ClinVar aggregate classification (germline): Uncertain significance (1 of 4 stars; one submission).

Submission:

Labcorp Genetics (formerly Invitae), Labcorp
Classification: Uncertain significance. Last evaluated: 2024-11-27. Review status: criteria provided, single submitter. Criteria: Invitae Variant Classification Sherloc (09022015). Collection method: clinical testing. Allele origin: germline.
Comment: This sequence change replaces isoleucine, which is neutral and non-polar, with threonine, which is neutral and polar, at codon 62 of the SGMS2 protein (p.Ile62Thr). This variant is not present in population databases (gnomAD no frequency). This variant has not been reported in the literature in individuals affected with SGMS2-related conditions. Invitae Evidence Modeling of protein sequence and biophysical properties (such as structural, functional, and spatial information, amino acid conservation, physicochemical variation, residue mobility, and thermodynamic stability) indicates that this missense variant is not expected to disrupt SGMS2 protein function with a negative predictive value of 80%. This variant disrupts the p.Ile62 amino acid residue in SGMS2. Other variant(s) that disrupt this residue have been determined to be pathogenic (PMID: 30779713). This suggests that this residue is clinically significant, and that variants that disrupt this residue are likely to be disease-causing. In summary, the available evidence is currently insufficient to determine the role of this variant in disease. Therefore, it has been classified as a Variant of Uncertain Significance.

Literature cited by the submitters: PubMed 30779713.